The following is an entry in ClinVar:

NM_001042432.2(CLN3):c.757C>G (p.Leu253Val)

Gene: CLN3 (CLN3 lysosomal/endosomal transmembrane protein, battenin; minus strand). Cytogenetic location: 16p12.1.
Variant type: single nucleotide variant.
Coding change: c.757C>G on transcript NM_001042432.2 (MANE Select); coding-DNA position 757, C replaced by G.
Protein change: p.Leu253Val; replaces leucine 253 with valine.
Molecular consequence: missense variant.
Genome position (GRCh38, 1-based): chr16:28,484,039, G>C on the plus strand (C>G on the coding strand, the complement: CLN3 is on the minus strand). VCF-style: chr16-28484039-G-C. GRCh37 (hg19) VCF-style: chr16-28495360-G-C.
Other names: c.757C>G, p.Leu253Val (NM_000086.2); c.685C>G, p.Leu229Val (NM_001286104.2); c.457C>G, p.Leu153Val (NM_001286105.2); c.523C>G, p.Leu175Val (NM_001286109.2); c.595C>G, p.Leu199Val (NM_001286110.2); short protein forms L199V, L229V, L253V, L153V, L175V.
Identifiers: ClinVar variation 1461311 (VCV001461311.5), dbSNP rs776122422, ClinGen allele CA7980833.

ClinVar aggregate classification (germline): Uncertain significance (1 of 4 stars; one submission).

Conditions:
Neuronal ceroid lipofuscinosis. Also called: Neuronal Ceroid Lipofuscinoses. Identifiers: Orphanet 216, Orphanet 79263, MedGen C0027877, MONDO:0016295. Disease mechanism: loss of function.

Allele frequency attached by ClinVar (database versions not stated): TOPMed below 0.00001; gnomAD exomes 0.00001; ExAC 0.00002.

Submission:

Labcorp Genetics (formerly Invitae), Labcorp
Classification: Uncertain significance for Neuronal ceroid lipofuscinosis. Last evaluated: 2022-02-05. Review status: criteria provided, single submitter. Criteria: Invitae Variant Classification Sherloc (09022015). Collection method: clinical testing. Allele origin: germline.
Comment: This sequence change replaces leucine, which is neutral and non-polar, with valine, which is neutral and non-polar, at codon 253 of the CLN3 protein (p.Leu253Val). This variant is present in population databases (rs776122422, gnomAD 0.006%). This variant has not been reported in the literature in individuals affected with CLN3-related conditions. Algorithms developed to predict the effect of missense changes on protein structure and function are either unavailable or do not agree on the potential impact of this missense change (SIFT: "Deleterious"; PolyPhen-2: "Probably Damaging"; Align-GVGD: "Class C0"). In summary, the available evidence is currently insufficient to determine the role of this variant in disease. Therefore, it has been classified as a Variant of Uncertain Significance.